The following is an entry in ClinVar:

ClinVar aggregate classification (germline): Benign/Likely benign. Review status: criteria provided, multiple submitters, no conflicts (2 of 4 stars). 7 submissions from 7 submitters: Benign (5); Likely benign (2). Last evaluated 2026-01-26.

Conditions:
Primary ciliary dyskinesia 28. Also called: CILIARY DYSKINESIA, PRIMARY, 28, WITH OR WITHOUT SITUS INVERSUS. Identifiers: Orphanet 244, MedGen C3809706, MONDO:0014216, OMIM 615505.
Primary ciliary dyskinesia. Also called: Ciliary dyskinesia. Identifiers: Orphanet 244, MedGen C0008780, MONDO:0016575, HP:0012265.

Allele frequency attached by ClinVar (database versions not stated): gnomAD 0.00288 and 0.00367; TOPMed 0.00289; 1000 Genomes Project 0.00439; 1000 Genomes Project 30x 0.00500; gnomAD exomes 0.00566 and 0.00823; ExAC 0.02720.
gnomAD v4.1: 7,834 of 1,436,302 alleles (0.55%); highest among the groups gnomAD compares: South Asian, 2.5%; 62 homozygotes.

Submissions (7):

Labcorp Genetics (formerly Invitae), Labcorp
Classification: Benign for Primary ciliary dyskinesia 28. Last evaluated: 2026-01-26. Review status: criteria provided, single submitter. Criteria: Invitae Variant Classification Sherloc (09022015). Collection method: clinical testing. Allele origin: germline.

Mayo Clinic Laboratories, Mayo Clinic
Classification: Benign. Last evaluated: 2025-10-06. Review status: criteria provided, single submitter. Criteria: ACMG Guidelines, 2015. Collection method: clinical testing. Allele origin: germline. Observed: 1 variant allele.
Comment: BA1, BS2, BP4

GeneDx
Classification: Likely benign. Last evaluated: 2024-11-19. Review status: criteria provided, single submitter. Criteria: GeneDx Variant Classification Process June 2021. Collection method: clinical testing. Allele origin: germline. Affected: yes.
Comment: See Variant Classification Assertion Criteria.

ARUP Laboratories, Molecular Genetics and Genomics, ARUP Laboratories
Classification: Likely benign for Primary ciliary dyskinesia 28. Last evaluated: 2024-04-30. Review status: criteria provided, single submitter. Criteria: ARUP Molecular Germline Variant Investigation Process 2024. Collection method: clinical testing. Allele origin: germline.

Fulgent Genetics
Classification: Benign for Primary ciliary dyskinesia 28. Last evaluated: 2022-03-17. Review status: criteria provided, single submitter. Criteria: ACMG Guidelines, 2015. Collection method: clinical testing. Allele origin: unknown.

Ambry Genetics
Classification: Benign for Primary ciliary dyskinesia. Last evaluated: 2017-02-09. Review status: criteria provided, single submitter. Criteria: Ambry Variant Classification Scheme 2023. Collection method: clinical testing. Allele origin: germline.

Breakthrough Genomics
Classification: Benign. Review status: criteria provided, single submitter. Criteria: ACMG Guidelines, 2015. Collection method: not provided. Allele origin: germline. Inheritance: Autosomal recessive inheritance. Affected: yes.

NM_003114.5(SPAG1):c.1414A>G (p.Ile472Val)

Genes: SPAG1 (sperm associated antigen 1; plus strand), LOC130000832 (ATAC-STARR-seq lymphoblastoid silent region 19412; plus strand). Cytogenetic location: 8q22.2.
Variant type: single nucleotide variant.
Coding change: c.1414A>G on transcript NM_003114.5 (MANE Select); coding-DNA position 1414, A replaced by G.
Protein change: p.Ile472Val; replaces isoleucine 472 with valine.
Molecular consequence: missense variant.
Genome position (GRCh38, 1-based): chr8:100,213,407, A>G. VCF-style: chr8-100213407-A-G. GRCh37 (hg19) VCF-style: chr8-101225635-A-G.
Other names: p.Ile472Val; c.1414A>G, p.Ile472Val (NM_001374321.1, NM_172218.3); short protein forms I472V.
Identifiers: ClinVar variation 242012 (VCV000242012.19), dbSNP rs373038988, ClinGen allele CA4827482.
Genomic context (GRCh38, chr8:100,213,407, plus strand): 5'-GGCAACGAGCTGTTCCGAAGCGGGCAGTTCGCCGAGGCGGCCGGCAAGTACTCGGCGGCA[A>G]TCGCGCTCCTGGAGCCAGCAGGTAGGTGCGCCGCGCCCCGCCGCTTCCTGGGCCCCTCGC-3'
Protein context (NP_003105.2, residues 462-482): AEAAGKYSAA[Ile472Val]ALLEPAGSEI